The following is an entry in ClinVar:

NM_201525.4(ADGRG1):c.1868_1870del (p.Ser623del)

Gene: ADGRG1 (adhesion G protein-coupled receptor G1; plus strand). Cytogenetic location: 16q21.
Variant type: Deletion.
Coding change: c.1868_1870del on transcript NM_201525.4 (MANE Select); coding-DNA positions 1868 to 1870, 3 bases deleted (CCT; older notation c.1868_1870delCCT).
Protein change: p.Ser623del; deletes serine 623.
Genome position (GRCh38, 1-based): chr16:57,661,900-57,661,902, CCT deleted; deleting any 3 consecutive bases within chr16:57,661,898-57,661,902 gives the same sequence; the c. name uses the placement nearest the transcript's 3' end. VCF-style (leftmost placement, unchanged base first): chr16-57661897-TCTC-T. GRCh37 (hg19) VCF-style: chr16-57695809-TCTC-T.
Other names: c.1868_1870del, p.Ser623del (NM_001145770.3, NM_001145772.3, NM_001145774.3 and 7 more transcripts); c.1886_1888del, p.Ser629del (NM_001145771.3, NM_001370428.1, NM_001370429.1 and 4 more transcripts); c.1883_1885del, p.Ser628del (NM_001145773.3, NM_001370433.1, NM_001370434.1); c.1376_1378del, p.Ser459del (NM_001290142.2); c.1361_1363del, p.Ser454del (NM_001290143.2); c.1343_1345del, p.Ser448del (NM_001290144.2, NM_001370451.1, NM_001370453.1 and 1 more transcripts); c.1865_1867del, p.Ser622del (NM_001370441.1); c.1712_1714del, p.Ser571del (NM_001370442.1); short protein forms S448del, S454del, S459del, S571del, S622del, S623del, S628del, S629del.
Identifiers: ClinVar variation 4526907 (VCV004526907.1).

ClinVar aggregate classification (germline): Likely pathogenic (1 of 4 stars; one submission).

Conditions:
Bilateral frontoparietal polymicrogyria. Also called: CEREBELLAR ATAXIA WITH NEURONAL MIGRATION DEFECT; CORTICAL DYSPLASIA, COMPLEX, WITH OTHER BRAIN MALFORMATIONS 14A (BILATERAL FRONTOPARIETAL). Identifiers: Orphanet 101070, MedGen C1847352, MONDO:0011738, OMIM 606854.

Submission:

Kasturba Medical College, Manipal, Kasturba Medical College, Manipal, Manipal Academy of Higher Education, Manipal, India
Classification: Likely pathogenic for Bilateral frontoparietal polymicrogyria. Last evaluated: 2025-11-08. Review status: criteria provided, single submitter. Criteria: ACMG Guidelines, 2015. Collection method: research. Allele origin: paternal. Inheritance: Autosomal recessive inheritance. Affected: yes. Observed: 1 heterozygote.
Comment: This variant is present in one individual in heterozygous state and absent in homozygous state in gnomAD (v4.1.0) population database. The same variant is absent in heterozygous and/or homozygous state in and our in-house database of 3871 individuals. In silico tool such as MutationTaster predicts this variant to be damaging to the ADGRG1 protein function.